The following is an entry in ClinVar:

ClinVar aggregate classification (germline): Conflicting classifications of pathogenicity. Review status: criteria provided, conflicting classifications (1 of 4 stars). 4 submissions from 4 submitters: Uncertain significance (1); Benign (2); Likely benign (1). Last evaluated 2025-12-24.

Conditions:
Holoprosencephaly 4 (HPE4). Identifiers: Orphanet 2162, MedGen C1840528, MONDO:0007734, OMIM 142946.

Allele frequency attached by ClinVar (database versions not stated): gnomAD exomes 0.00014 and 0.00020; ExAC 0.00022; ESP Exome Variant Server 0.00031; gnomAD 0.00039; 1000 Genomes Project 0.00040; 1000 Genomes Project 30x 0.00047; TOPMed 0.00050.
gnomAD v4.1: 268 of 1,610,548 alleles (0.017%); highest among the groups gnomAD compares: African/African-American, 0.14%; no homozygotes.

Submissions (4):

Labcorp Genetics (formerly Invitae), Labcorp
Classification: Benign for Holoprosencephaly 4. Last evaluated: 2025-12-24. Review status: criteria provided, single submitter. Criteria: Invitae Variant Classification Sherloc (09022015). Collection method: clinical testing. Allele origin: germline.

ARUP Laboratories, Molecular Genetics and Genomics, ARUP Laboratories
Classification: Uncertain significance for Holoprosencephaly 4. Last evaluated: 2023-10-16. Review status: criteria provided, single submitter. Criteria: ARUP Molecular Germline Variant Investigation Process 2024. Collection method: clinical testing. Allele origin: germline.

Blueprint Genetics
Classification: Benign. Last evaluated: 2023-07-27. Review status: criteria provided, single submitter. Criteria: ACMG Guidelines, 2015. Collection method: clinical testing. Allele origin: germline.

Illumina Laboratory Services, Illumina
Classification: Likely benign for Holoprosencephaly 4. Last evaluated: 2018-01-13. Review status: criteria provided, single submitter. Criteria: ICSL Variant Classification Criteria 13 December 2019. Collection method: clinical testing. Allele origin: germline.
Comment: This variant was observed in the ICSL laboratory as part of a predisposition screen in an ostensibly healthy population. It had not been previously curated by ICSL or reported in the Human Gene Mutation Database (HGMD: prior to June 1st, 2018), and was therefore a candidate for classification through an automated scoring system. Utilizing variant allele frequency, disease prevalence and penetrance estimates, and inheritance mode, an automated score was calculated to assess if this variant is too frequent to cause the disease. Based on the score and internal cut-off values, a variant classified as likely benign is not then subjected to further curation. The score for this variant resulted in a classification of likely benign for this disease.

NM_003244.4(TGIF1):c.723G>A (p.Pro241=)

Gene: TGIF1 (TGFB induced factor homeobox 1; plus strand). Cytogenetic location: 18p11.31.
Variant type: single nucleotide variant.
Coding change: c.723G>A on transcript NM_003244.4 (MANE Select); coding-DNA position 723, G replaced by A.
Protein change: p.Pro241=; no amino-acid change (proline 241 retained).
Molecular consequence: synonymous variant.
Genome position (GRCh38, 1-based): chr18:3,457,844, G>A. VCF-style: chr18-3457844-G-A. GRCh37 (hg19) VCF-style: chr18-3457842-G-A.
Other names: c.732G>A, p.Pro244= (NM_001278682.2); c.723G>A, p.Pro241= (NM_001278684.2, NM_173208.3); c.663G>A, p.Pro221= (NM_001278686.3, NM_001374396.1, NM_001374397.1 and 5 more transcripts); c.765G>A, p.Pro255= (NM_173207.4).
Identifiers: ClinVar variation 326710 (VCV000326710.20), dbSNP rs114912664, ClinGen allele CA8876012.